The following is an entry in ClinVar:

NM_004370.6(COL12A1):c.7558+5G>A

Gene: COL12A1 (collagen type XII alpha 1 chain; minus strand). Cytogenetic location: 6q13.
Variant type: single nucleotide variant.
Coding change: c.7558+5G>A on transcript NM_004370.6 (MANE Select); 5 bases into the intron after coding-DNA position 7558, G replaced by A.
Molecular consequence: intron variant.
Genome position (GRCh38, 1-based): chr6:75,116,014, C>T on the plus strand (G>A on the coding strand, the complement: COL12A1 is on the minus strand). VCF-style: chr6-75116014-C-T. GRCh37 (hg19) VCF-style: chr6-75825730-C-T.
Other names: c.4066+5G>A (NM_001424116.1, NM_080645.3); c.7285+5G>A (NM_001424115.1); c.7537+5G>A (NM_001424114.1); c.7558+5G>A (NM_001424113.1).
Identifiers: ClinVar variation 2952824 (VCV002952824.3), dbSNP rs751310585, ClinGen allele CA3892532.

ClinVar aggregate classification (germline): Uncertain significance (1 of 4 stars; one submission).

Conditions:
Ullrich congenital muscular dystrophy 2 (UCMD2). Identifiers: Orphanet 75840, MedGen C4225314, MONDO:0014654, OMIM 616470.
Bethlem myopathy 2 (BTHLM2). Identifiers: Orphanet 536516, Orphanet 610, MedGen C4225313, MONDO:0034022, OMIM 616471.

Allele frequency attached by ClinVar (database versions not stated): gnomAD exomes below 0.00001; ExAC 0.00001; gnomAD 0.00001; TOPMed 0.00001.
gnomAD v4.1: 5 of 1,613,290 alleles (0.00031%); highest among the groups gnomAD compares: Non-Finnish European, 0.00042%; no homozygotes.

Submission:

Labcorp Genetics (formerly Invitae), Labcorp
Classification: Uncertain significance for Bethlem myopathy 2; Ullrich congenital muscular dystrophy 2. Last evaluated: 2023-04-20. Review status: criteria provided, single submitter. Criteria: Invitae Variant Classification Sherloc (09022015). Collection method: clinical testing. Allele origin: germline.
Comment: In summary, the available evidence is currently insufficient to determine the role of this variant in disease. Therefore, it has been classified as a Variant of Uncertain Significance. Variants that disrupt the consensus splice site are a relatively common cause of aberrant splicing (PMID: 17576681, 9536098). Algorithms developed to predict the effect of sequence changes on RNA splicing suggest that this variant is not likely to affect RNA splicing. This variant has not been reported in the literature in individuals affected with COL12A1-related conditions. This variant is present in population databases (rs751310585, gnomAD 0.002%). This sequence change falls in intron 48 of the COL12A1 gene. It does not directly change the encoded amino acid sequence of the COL12A1 protein. It affects a nucleotide within the consensus splice site.

Literature cited by the submitters: PubMed 17576681; PubMed 9536098.